The following is an entry in ClinVar:

NM_007294.4(BRCA1):c.536_547+165del

Gene: BRCA1 (BRCA1 DNA repair associated; minus strand). Cytogenetic location: 17q21.31.
Variant type: Deletion.
Coding change: c.536_547+165del on transcript NM_007294.4 (MANE Select); coding-DNA position 536 through 165 bases into the intron after coding-DNA position 547, 177 bases deleted.
Molecular consequence: splice donor variant. On other transcripts: intron variant (2).
Genome position (GRCh38, 1-based): chr17:43,099,610-43,099,786, 177 bases deleted. GRCh37 (hg19): chr17:41,251,627-41,251,803.
Other names: c.395_406+165del (NM_001408458.1, NM_001407922.1, NM_001408469.1 and 61 more transcripts); c.-218-4926_-218-4750del (NM_001407967.1, NM_001407966.1); c.155_166+165del (NM_001407959.1, NM_001408512.1, NM_001408510.1 and 3 more transcripts); c.392_403+165del (NM_001407931.1, NM_001407747.1, NM_001408470.1 and 35 more transcripts); c.152_163+165del (NM_001407962.1); c.326_337+165del (NM_001407885.1, NM_001407886.1, NM_001407881.1 and 37 more transcripts); c.533_544+165del (NM_001407686.1, NM_001408397.1, NM_001407632.1 and 65 more transcripts); c.536_547+165del (NM_001408436.1, NM_001407665.1, NM_001407980.1 and 96 more transcripts); and 5 more.
Identifiers: ClinVar variation 531432 (VCV000531432.4), dbSNP rs1555594718, ClinGen allele CA658798863.

ClinVar aggregate classification (germline): Pathogenic (1 of 4 stars; one submission).

Conditions:
Hereditary breast ovarian cancer syndrome. Also called: Hereditary breast and ovarian cancer syndrome (HBOC); BRCA1- and BRCA2-Associated Hereditary Breast and Ovarian Cancer; Hereditary breast and ovarian cancer syndrome; Breast and ovarian cancer; Hereditary breast and ovarian cancer; Hereditary breast and/or ovarian cancer syndrome. Identifiers: Orphanet 145, MedGen C0677776, MeSH D061325, MONDO:0003582. Disease mechanism: loss of function.

Submission:

Labcorp Genetics (formerly Invitae), Labcorp
Classification: Pathogenic for Hereditary breast and ovarian cancer syndrome. Last evaluated: 2019-09-19. Review status: criteria provided, single submitter. Criteria: Invitae Variant Classification Sherloc (09022015). Collection method: clinical testing. Allele origin: germline.
Comment: This variant is a deletion of the genomic region encompassing part of exon 7 (c.536_547+165del) of the BRCA1 gene. It is expected to disrupt RNA splicing and likely results in an absent or disrupted protein product. This variant is not present in population databases (ExAC no frequency). This variant has not been reported in the literature in individuals with BRCA1-related conditions. ClinVar contains an entry for this variant (Variation ID: 531432). Loss-of-function variants in BRCA1 are known to be pathogenic (PMID: 20104584). For these reasons, this variant has been classified as Pathogenic.